The following is an entry in ClinVar:

ClinVar aggregate classification (germline): Uncertain significance. Review status: criteria provided, multiple submitters, no conflicts (2 of 4 stars). 5 submissions from 5 submitters: Uncertain significance (5). Last evaluated 2026-03-24.

Conditions:
Inborn genetic diseases. Identifiers: MedGen C0950123, MeSH D030342.

Allele frequency attached by ClinVar (database versions not stated): ExAC 0.00034; ESP Exome Variant Server 0.00038; TOPMed 0.00042; gnomAD exomes 0.00082 and 0.00040; gnomAD 0.00040 and 0.00041.
gnomAD v4.1: 1,244 of 1,613,920 alleles (0.077%); highest among the groups gnomAD compares: Non-Finnish European, 0.1%; 1 homozygote.

Submissions (5):

Ambry Genetics
Classification: Uncertain significance for Inborn genetic diseases. Last evaluated: 2026-03-24. Review status: criteria provided, single submitter. Criteria: Ambry Variant Classification Scheme 2023. Collection method: clinical testing. Allele origin: germline.
Comment: The c.2501G>A (p.R834H) alteration is located in coding exon 16 of the CNTNAP1 gene. This alteration results from a G to A substitution at nucleotide position 2501, causing the arginine (R) at amino acid position 834 to be replaced by a histidine (H). Based on data from gnomAD, the A allele has an overall frequency of 0.039% (109/282596) total alleles studied. The highest observed frequency was 0.079% (102/129018) of European (non-Finnish) alleles. This amino acid position is not well conserved in available vertebrate species. This alteration is predicted to be tolerated by in silico analysis. Based on insufficient or conflicting evidence, the clinical significance of this alteration remains unclear.

GeneDx
Classification: Uncertain significance. Last evaluated: 2025-01-21. Review status: criteria provided, single submitter. Criteria: GeneDx Variant Classification Process June 2021. Collection method: clinical testing. Allele origin: germline. Affected: yes.
Comment: In silico analysis indicates that this missense variant does not alter protein structure/function; Has not been previously published as pathogenic or benign in association with neurodevelopmental disorders to our knowledge; This variant is associated with the following publications: (PMID: 28509902, 27777418)

Mayo Clinic Laboratories, Mayo Clinic
Classification: Uncertain significance. Last evaluated: 2022-11-28. Review status: criteria provided, single submitter. Criteria: ACMG Guidelines, 2015. Collection method: clinical testing. Allele origin: germline. Observed: 1 variant allele.

Labcorp Genetics (formerly Invitae), Labcorp
Classification: Uncertain significance. Last evaluated: 2022-08-19. Review status: criteria provided, single submitter. Criteria: Invitae Variant Classification Sherloc (09022015). Collection method: clinical testing. Allele origin: germline.
Comment: In summary, the available evidence is currently insufficient to determine the role of this variant in disease. Therefore, it has been classified as a Variant of Uncertain Significance. Algorithms developed to predict the effect of missense changes on protein structure and function output the following: SIFT: "Tolerated"; PolyPhen-2: "Possibly Damaging"; Align-GVGD: "Class C0". The histidine amino acid residue is found in multiple mammalian species, which suggests that this missense change does not adversely affect protein function. ClinVar contains an entry for this variant (Variation ID: 623901). This variant has not been reported in the literature in individuals affected with CNTNAP1-related conditions. This variant is present in population databases (rs142029931, gnomAD 0.08%). This sequence change replaces arginine, which is basic and polar, with histidine, which is basic and polar, at codon 834 of the CNTNAP1 protein (p.Arg834His).

CeGaT Center for Human Genetics Tuebingen
Classification: Uncertain significance. Last evaluated: 2018-06-01. Review status: criteria provided, single submitter. Criteria: CeGaT Center For Human Genetics Tuebingen Variant Classification Criteria Version 2. Collection method: clinical testing. Allele origin: germline. Affected: yes. Observed: 1 variant allele.

NM_003632.3(CNTNAP1):c.2501G>A (p.Arg834His)

Gene: CNTNAP1 (contactin associated protein 1; plus strand). Cytogenetic location: 17q21.2.
Variant type: single nucleotide variant.
Coding change: c.2501G>A on transcript NM_003632.3 (MANE Select); coding-DNA position 2501, G replaced by A.
Protein change: p.Arg834His; replaces arginine 834 with histidine.
Molecular consequence: missense variant.
Genome position (GRCh38, 1-based): chr17:42,691,962, G>A. VCF-style: chr17-42691962-G-A. GRCh37 (hg19) VCF-style: chr17-40843980-G-A.
Other names: p.Arg834His; c.2501G>A (NM_003632.2); short protein forms R834H.
Identifiers: ClinVar variation 623901 (VCV000623901.52), dbSNP rs142029931, ClinGen allele CA8582063.